The following is an entry in ClinVar:

NM_172217.5(IL16):c.2199T>C (p.His733=)

Gene: IL16 (interleukin 16; plus strand). Cytogenetic location: 15q25.1.
Variant type: single nucleotide variant.
Coding change: c.2199T>C on transcript NM_172217.5 (MANE Select); coding-DNA position 2199, T replaced by C.
Protein change: p.His733=; no amino-acid change (histidine 733 retained).
Molecular consequence: synonymous variant.
Genome position (GRCh38, 1-based): chr15:81,299,525, T>C. VCF-style: chr15-81299525-T-C. GRCh37 (hg19) VCF-style: chr15-81591866-T-C.
Other names: c.2199T>C, p.His733= (NM_001172128.2); c.369T>C, p.His123= (NM_001352684.2); c.1689T>C, p.His563= (NM_001352685.2); c.2352T>C, p.His784= (NM_001352686.2); c.96T>C, p.His32= (NM_004513.6).
Identifiers: ClinVar variation 2645633 (VCV002645633.24), dbSNP rs146704319, ClinGen allele CA7695365.

ClinVar aggregate classification (germline): Likely benign (1 of 4 stars; one submission).

Allele frequency attached by ClinVar (database versions not stated): gnomAD 0.00054; ExAC 0.00060; TOPMed 0.00068; ESP Exome Variant Server 0.00077; 1000 Genomes Project 30x 0.00078; gnomAD exomes 0.00078; 1000 Genomes Project 0.00080.
gnomAD v4.1: 1,231 of 1,614,164 alleles (0.076%); highest among the groups gnomAD compares: Middle Eastern, 0.68%; 3 homozygotes.

Submission:

CeGaT Center for Human Genetics Tuebingen
Classification: Likely benign. Last evaluated: 2023-03-01. Review status: criteria provided, single submitter. Criteria: CeGaT Center For Human Genetics Tuebingen Variant Classification Criteria Version 2. Collection method: clinical testing. Allele origin: germline. Affected: yes. Observed: 2 variant alleles.
Comment: IL16: BP4, BP7